The following is an entry in ClinVar:

ClinVar aggregate classification (germline): Conflicting classifications of pathogenicity. Review status: criteria provided, conflicting classifications (1 of 4 stars). 2 submissions from 2 submitters: Uncertain significance (1); Likely benign (1). Last evaluated 2025-08-06.

Conditions:
Neonatal encephalomyopathy-cardiomyopathy-respiratory distress syndrome. Also called: Coenzyme Q10 deficiency, primary, 7. Identifiers: Orphanet 457185, MedGen C5568562, MONDO:0014562, OMIM 616276.
Inborn genetic diseases. Identifiers: MedGen C0950123, MeSH D030342.

Allele frequency attached by ClinVar (database versions not stated): gnomAD 0.00002; ExAC 0.00008; TOPMed 0.00009; gnomAD exomes 0.00012.
gnomAD v4.1: 37 of 1,611,322 alleles (0.0023%); highest among the groups gnomAD compares: Admixed American, 0.057%; no homozygotes.

Submissions (2):

Labcorp Genetics (formerly Invitae), Labcorp
Classification: Likely benign for Neonatal encephalomyopathy-cardiomyopathy-respiratory distress syndrome. Last evaluated: 2025-08-06. Review status: criteria provided, single submitter. Criteria: Invitae Variant Classification Sherloc (09022015). Collection method: clinical testing. Allele origin: germline.

Ambry Genetics
Classification: Uncertain significance for Inborn genetic diseases. Last evaluated: 2022-03-31. Review status: criteria provided, single submitter. Criteria: Ambry Variant Classification Scheme 2023. Collection method: clinical testing. Allele origin: germline.
Comment: The c.71-5C>G intronic alteration consists of a C to G substitution 5 nucleotides before coding exon 2 in the COQ4 gene. Based on insufficient or conflicting evidence, the clinical significance of this alteration remains unclear.

NM_016035.5(COQ4):c.71-5C>G

Gene: COQ4 (coenzyme Q4; plus strand). Cytogenetic location: 9q34.11.
Variant type: single nucleotide variant.
Coding change: c.71-5C>G on transcript NM_016035.5 (MANE Select); 5 bases into the intron before coding-DNA position 71, C replaced by G.
Molecular consequence: intron variant.
Genome position (GRCh38, 1-based): chr9:128,323,011, C>G. VCF-style: chr9-128323011-C-G. GRCh37 (hg19) VCF-style: chr9-131085290-C-G.
Other names: c.71-5C>G (NM_016035.3, NM_001305942.2).
Identifiers: ClinVar variation 790425 (VCV000790425.11), dbSNP rs760080044, ClinGen allele CA5260399.
Genomic context (GRCh38, chr9:128,323,011, plus strand): 5'-CGCAGGCGGGAAGGAGCCTGAGGGCGCCCGGCTCCTCTGACCTCGGCCTTTTTCTTGCCC[C>G]GCAGAAATGCCCCTCCGGGCTAGGAGCGACGGCGCCGGCCCGCTATACTCGCACCACCTC-3'